The following is an entry in ClinVar:

NC_012920.1(MT-ND4):m.11928A>G

Gene: MT-ND4 (mitochondrially encoded NADH dehydrogenase 4; plus strand).
Variant type: single nucleotide variant.
Genome position: chrM-11928-A-G.
Identifiers: ClinVar variation 693385 (VCV000693385.1), dbSNP rs1569484466, ClinGen allele CA414811721.

ClinVar aggregate classification (germline): Benign (1 of 4 stars; one submission).

Conditions:
Leigh syndrome (NULS). Also called: Leigh's necrotizing encephalopathy; Leigh's disease; Leigh Syndrome (mtDNA deletion); Leigh Disease; Subacute necrotizing encephalopathy; Necrotizing encephalopathy infantile subacute of Leigh. Identifiers: Orphanet 506, MedGen C2931891, MONDO:0009723, OMIM 256000.

Submission:

Wong Mito Lab, Molecular and Human Genetics, Baylor College of Medicine
Classification: Benign for Leigh syndrome. Last evaluated: 2019-10-17. Review status: criteria provided, single submitter. Criteria: Modified ACMG Guidelines (Unpublished). Collection method: clinical testing. Allele origin: germline.
Comment: The NC_012920.1:m.11928A>G (YP_003024035.1:p.Asn390Ser) variant in MTND4 gene is interpretated to be a Benign variant based on the modified ACMG guidelines (unpublished). This variant meets the following evidence codes: BS1, BS2, BP4